The following is an entry in ClinVar:

NM_014159.7(SETD2):c.1247A>G (p.Asn416Ser)

Gene: SETD2 (SET domain containing 2, histone lysine methyltransferase; minus strand). Cytogenetic location: 3p21.31.
Variant type: single nucleotide variant.
Coding change: c.1247A>G on transcript NM_014159.7 (MANE Select); coding-DNA position 1247, A replaced by G.
Protein change: p.Asn416Ser; replaces asparagine 416 with serine.
Molecular consequence: missense variant. On other transcripts: non-coding transcript variant (1).
Genome position (GRCh38, 1-based): chr3:47,123,389, T>C on the plus strand (A>G on the coding strand, the complement: SETD2 is on the minus strand). VCF-style: chr3-47123389-T-C. GRCh37 (hg19) VCF-style: chr3-47164879-T-C.
Other names: c.1115A>G, p.Asn372Ser (NM_001349370.3); short protein forms N372S, N416S.
Identifiers: ClinVar variation 854766 (VCV000854766.6), dbSNP rs1049982695, ClinGen allele CA73811669.

ClinVar aggregate classification (germline): Uncertain significance (1 of 4 stars; one submission).

Conditions:
Luscan-Lumish syndrome. Identifiers: Orphanet 597738, MedGen C4085873, MONDO:0014791, OMIM 616831.

Allele frequency attached by ClinVar (database versions not stated): gnomAD exomes below 0.00001; gnomAD 0.00002; TOPMed 0.00002.
gnomAD v4.1: 4 of 1,551,560 alleles (0.00026%); highest among the groups gnomAD compares: African/African-American, 0.0055%; no homozygotes.

Submission:

Labcorp Genetics (formerly Invitae), Labcorp
Classification: Uncertain significance for Luscan-Lumish syndrome. Last evaluated: 2025-10-06. Review status: criteria provided, single submitter. Criteria: Invitae Variant Classification Sherloc (09022015). Collection method: clinical testing. Allele origin: germline.
Comment: This sequence change replaces asparagine, which is neutral and polar, with serine, which is neutral and polar, at codon 416 of the SETD2 protein (p.Asn416Ser). This variant is present in population databases (no rsID available, gnomAD 0.01%). This variant has not been reported in the literature in individuals affected with SETD2-related conditions. ClinVar contains an entry for this variant (Variation ID: 854766). Invitae Evidence Modeling of protein sequence and biophysical properties (such as structural, functional, and spatial information, amino acid conservation, physicochemical variation, residue mobility, and thermodynamic stability) indicates that this missense variant is not expected to disrupt SETD2 protein function with a negative predictive value of 80%. In summary, the available evidence is currently insufficient to determine the role of this variant in disease. Therefore, it has been classified as a Variant of Uncertain Significance.